The following is an entry in ClinVar:

NM_002775.5(HTRA1):c.25C>T (p.Leu9Phe)

Gene: HTRA1 (HtrA serine peptidase 1; plus strand). Cytogenetic location: 10q26.13.
Variant type: single nucleotide variant.
Coding change: c.25C>T on transcript NM_002775.5 (MANE Select); coding-DNA position 25, C replaced by T.
Protein change: p.Leu9Phe; replaces leucine 9 with phenylalanine.
Molecular consequence: missense variant.
Genome position (GRCh38, 1-based): chr10:122,461,677, C>T. VCF-style: chr10-122461677-C-T. GRCh37 (hg19) VCF-style: chr10-124221193-C-T.
Other names: short protein forms L9F.
Identifiers: ClinVar variation 4847407 (VCV004847407.1).

ClinVar aggregate classification (germline): Uncertain significance (1 of 4 stars; one submission).

gnomAD v4.1: 5 of 1,315,618 alleles (0.00038%); highest among the groups gnomAD compares: Admixed American, 0.0054%; no homozygotes.

Submission:

Women's Health and Genetics/Laboratory Corporation of America, LabCorp
Classification: Uncertain significance. Last evaluated: 2026-03-09. Review status: criteria provided, single submitter. Criteria: LabCorp Variant Classification Summary - May 2015. Collection method: clinical testing. Allele origin: germline.
Comment: Variant summary: HTRA1 c.25C>T (p.Leu9Phe) results in a non-conservative amino acid change in the encoded protein sequence. Algorithms developed to predict the effect of missense changes on protein structure and function are either unavailable or do not agree on the potential impact of this missense change. The frequency data for this variant in gnomAD is considered unreliable, as metrics indicate poor data quality at this position. To our knowledge, no occurrence of c.25C>T in individuals affected with HTRA1-related conditions and no experimental evidence demonstrating its impact on protein function have been reported. No submitters have cited clinical-significance assessments for this variant to ClinVar. Based on the evidence outlined above, the variant was classified as uncertain significance.